The following is an entry in ClinVar:

ClinVar aggregate classification (germline): Uncertain significance (1 of 4 stars; one submission).

Conditions:
Breast-ovarian cancer, familial, susceptibility to, 4. Identifiers: Orphanet 145, MedGen C3280345, MONDO:0013669, OMIM 614291.

Submission:

Labcorp Genetics (formerly Invitae), Labcorp
Classification: Uncertain significance for Breast-ovarian cancer, familial, susceptibility to, 4. Last evaluated: 2023-10-16. Review status: criteria provided, single submitter. Criteria: Invitae Variant Classification Sherloc (09022015). Collection method: clinical testing. Allele origin: germline.
Comment: This sequence change falls in intron 1 of the RAD51D gene. It does not directly change the encoded amino acid sequence of the RAD51D protein. This variant is present in population databases (rs780590372, gnomAD 0.006%). This variant has not been reported in the literature in individuals affected with RAD51D-related conditions. Algorithms developed to predict the effect of sequence changes on RNA splicing suggest that this variant may disrupt the consensus splice site. In summary, the available evidence is currently insufficient to determine the role of this variant in disease. Therefore, it has been classified as a Variant of Uncertain Significance.

NM_002878.4(RAD51D):c.83-8_83-4del

Genes: RAD51L3-RFFL (RAD51L3-RFFL readthrough; minus strand), RAD51D (RAD51 paralog D; minus strand). Cytogenetic location: 17q12.
Variant type: Microsatellite.
Coding change: c.83-8_83-4del on transcript NM_002878.4 (MANE Select); 8 bases into the intron before coding-DNA position 83 through 4 bases into the intron before coding-DNA position 83, 5 bases deleted (GTTTT; older notation c.83-8_83-4delGTTTT).
Molecular consequence: intron variant.
Genome position (GRCh38, 1-based): chr17:35,119,176-35,119,180, AAAAC deleted on the plus strand (GTTTT on the coding strand, the reverse complement: RAD51D is on the minus strand); deleting any 5 consecutive bases within chr17:35,119,176-35,119,186 gives the same sequence; the c. name uses the placement nearest the transcript's 3' end. VCF-style (leftmost placement, unchanged base first): chr17-35119175-GAAAAC-G. GRCh37 (hg19) VCF-style: chr17-33446194-GAAAAC-G.
Other names: c.83-8_83-4del (NM_133629.3, NM_001142571.2).
Identifiers: ClinVar variation 1940466 (VCV001940466.5), dbSNP rs780590372, ClinGen allele CA8499671.